The following is an entry in ClinVar:

ClinVar aggregate classification (germline): Pathogenic. Review status: criteria provided, multiple submitters, no conflicts (2 of 4 stars). 5 submissions from 5 submitters: Pathogenic (4). 1 of the submissions does not count toward it. Last evaluated 2025-10-27.

Conditions:
Neuromuscular disease caused by qualitative or quantitative defects of dysferlin. Also called: Dysferlinopathy; Qualitative or quantitative defects of dysferlin. Identifiers: Orphanet 207073, MedGen C2931687, MONDO:0016145.
Autosomal recessive limb-girdle muscular dystrophy type 2B (LGMDR2). Also called: MUSCULAR DYSTROPHY, LIMB-GIRDLE, TYPE 3; Limb-Girdle Muscular Dystrophy Type 2B (LGMD2B); Limb-girdle muscular dystrophy, type 2B; MUSCULAR DYSTROPHY, LIMB-GIRDLE, AUTOSOMAL RECESSIVE 2. Identifiers: Orphanet 268, MedGen C1850889, MONDO:0009676, OMIM 253601.
Miyoshi muscular dystrophy 1 (MMD1). Identifiers: Orphanet 45448, MedGen C4551973, MONDO:0024545, OMIM 254130.

Submissions (5):

Natera, Inc.
Classification: Pathogenic for Limb-girdle muscular dystrophy type 2B. Last evaluated: 2025-10-27. Review status: criteria provided, single submitter. Criteria: Natera Variant Classification Schema (03/2026). Collection method: clinical testing. Allele origin: germline.
Comment: The c.3512_3513delCT variant in DYSF is a frameshift variant predicted to shift the reading frame beginning at codon 1171 and leads to a stop codon 3 codons downstream. This variant is expected to result in nonsense mediated decay, truncation, or a dysfunctional protein product. This variant is rare in the general population with a frequency below the threshold expected for the associated phenotype(s). This variant has been observed in one or more individuals affected with the associated recessive disease, as either homozygous or compound heterozygous with a second variant (PMID: 27602406, 27666772). Given the available evidence, this variant is classified as Pathogenic.

Labcorp Genetics (formerly Invitae), Labcorp
Classification: Pathogenic for Neuromuscular disease caused by qualitative or quantitative defects of dysferlin. Last evaluated: 2024-12-11. Review status: criteria provided, single submitter. Criteria: Invitae Variant Classification Sherloc (09022015). Collection method: clinical testing. Allele origin: germline.
Comment: This sequence change creates a premature translational stop signal (p.Ser1171Phefs*3) in the DYSF gene. It is expected to result in an absent or disrupted protein product. Loss-of-function variants in DYSF are known to be pathogenic (PMID: 17698709, 20301480). This variant is not present in population databases (gnomAD no frequency). This premature translational stop signal has been observed in individual(s) with DYSF-related conditions (PMID: 27666772, 33610434). For these reasons, this variant has been classified as Pathogenic.

Baylor Genetics
Classification: Pathogenic for Miyoshi muscular dystrophy 1. Last evaluated: 2023-05-02. Review status: criteria provided, single submitter. Criteria: ACMG Guidelines, 2015. Collection method: clinical testing. Allele origin: unknown.

Eurofins Ntd Llc (ga)
Classification: Pathogenic. Last evaluated: 2015-10-23. Review status: criteria provided, single submitter. Criteria: EGL Classification Definitions 2015. Collection method: clinical testing. Allele origin: germline. Observed: 1 variant allele.

Counsyl
Classification: Pathogenic for Autosomal recessive limb-girdle muscular dystrophy type 2B. Last evaluated: 2017-09-08. Review status: no assertion criteria provided. Collection method: clinical testing. Allele origin: unknown. Not counted in ClinVar's aggregate classification.

Literature cited by the submitters: PubMed 27602406 (cited by Natera, Inc. and Counsyl); PubMed 27666772 (cited by 3 submitters); PubMed 17698709 (cited by Labcorp Genetics (formerly Invitae), Labcorp); PubMed 20301480 (cited by Labcorp Genetics (formerly Invitae), Labcorp); PubMed 33610434 (cited by Labcorp Genetics (formerly Invitae), Labcorp).

NM_001130987.2(DYSF):c.3566_3567del (p.Ser1189fs)

Gene: DYSF (dysferlin; plus strand). Cytogenetic location: 2p13.2.
Variant type: Microsatellite.
Coding change: c.3566_3567del on transcript NM_001130987.2 (MANE Select); coding-DNA positions 3566 to 3567, 2 bases deleted (CT; older notation c.3566_3567delCT).
Protein change: p.Ser1189fs; shifts the reading frame from serine 1189.
Molecular consequence: frameshift variant.
Genome position (GRCh38, 1-based): chr2:71,590,280-71,590,281, CT deleted; deleting any 2 consecutive bases within chr2:71,590,278-71,590,281 gives the same sequence; the c. name uses the placement nearest the transcript's 3' end. VCF-style (leftmost placement, unchanged base first): chr2-71590277-ACT-A. GRCh37 (hg19) VCF-style: chr2-71817407-ACT-A.
Other names: c.3515_3516del, p.Ser1172fs (NM_001130455.2, NM_001130983.2); c.3470_3471del, p.Ser1157fs (NM_001130976.2, NM_001130977.2); c.3512_3513del, p.Ser1171fs (NM_001130978.2, NM_003494.4); c.3605_3606del, p.Ser1202fs (NM_001130979.2); c.3563_3564del, p.Ser1188fs (NM_001130980.2, NM_001130981.2); c.3608_3609del, p.Ser1203fs (NM_001130982.2); c.3473_3474del, p.Ser1158fs (NM_001130984.2, NM_001130986.2); c.3566_3567del, p.Ser1189fs (NM_001130985.2); short protein forms S1158fs, S1172fs, S1188fs, S1157fs, S1171fs, S1202fs, S1203fs, S1189fs.
Identifiers: ClinVar variation 284251 (VCV000284251.13), dbSNP rs886042827, ClinGen allele CA10604734.